The following is an entry in ClinVar:

ClinVar aggregate classification (germline): Conflicting classifications of pathogenicity. Review status: criteria provided, conflicting classifications (1 of 4 stars). 8 submissions from 8 submitters: Uncertain significance (4); Likely benign (1). 3 of the submissions do not count toward it. Last evaluated 2026-01-27.

Conditions:
WIPF1-related disorder. Also called: WIPF1-related condition.
Wiskott-Aldrich syndrome 2 (WAS2). Also called: WIPF1 DEFICIENCY. Identifiers: Orphanet 906, MedGen C3281001, MONDO:0013779, OMIM 614493.

Allele frequency attached by ClinVar (database versions not stated): 1000 Genomes Project 30x 0.00031; 1000 Genomes Project 0.00040; ExAC 0.00084; gnomAD exomes 0.00090; TOPMed 0.00107; gnomAD 0.00111 and 0.00113; ESP Exome Variant Server 0.00169.
gnomAD v4.1: 2,929 of 1,614,210 alleles (0.18%); highest among the groups gnomAD compares: Non-Finnish European, 0.23%; 6 homozygotes.

Submissions (8):

Labcorp Genetics (formerly Invitae), Labcorp
Classification: Likely benign for Wiskott-Aldrich syndrome 2. Last evaluated: 2026-01-27. Review status: criteria provided, single submitter. Criteria: Invitae Variant Classification Sherloc (09022015). Collection method: clinical testing. Allele origin: germline.

Mayo Clinic Laboratories, Mayo Clinic
Classification: Uncertain significance. Last evaluated: 2025-09-29. Review status: criteria provided, single submitter. Criteria: ACMG Guidelines, 2015. Collection method: clinical testing. Allele origin: germline. Observed: 1 variant allele.
Comment: BP4

Blueprint Genetics
Classification: Uncertain significance. Last evaluated: 2024-11-24. Review status: criteria provided, single submitter. Criteria: ACMG Guidelines, 2015. Collection method: clinical testing. Allele origin: germline.

GeneDx
Classification: Uncertain significance. Last evaluated: 2024-10-15. Review status: criteria provided, single submitter. Criteria: GeneDx Variant Classification Process June 2021. Collection method: clinical testing. Allele origin: germline. Affected: yes.
Comment: Observed in the heterozygous state in a patient with severe intellectual disability in published literature, however a second variant in WIPF1 was not reported and this patient also had variants in additional genes that may have contributed to the phenotype (PMID: 25356899); In silico analysis supports that this missense variant has a deleterious effect on protein structure/function; This variant is associated with the following publications: (PMID: 25356899)

Center for Genomics, Ann and Robert H. Lurie Children's Hospital of Chicago
Classification: Uncertain significance for Wiskott-Aldrich syndrome 2. Last evaluated: 2021-11-30. Review status: criteria provided, single submitter. Criteria: ACMG Guidelines, 2015. Collection method: clinical testing. Allele origin: germline.
Comment: WIPF1 NM_001077269.1 exon 5 p.Pro346Leu (c.1037C>T): This variant has not been reported in the literature but is present in 0.2% (236/129100) of European alleles in the Genome Aggregation Database. This variant is present in ClinVar (Variation ID:472919). Evolutionary conservation and computational predictive tools for this variant are unclear. In summary, data on this variant is insufficient for disease classification. Therefore, the clinical significance of this variant is uncertain.

PreventionGenetics, part of Exact Sciences
Classification: Likely benign for WIPF1-related condition. Last evaluated: 2023-07-07. Review status: no assertion criteria provided. Collection method: clinical testing. Allele origin: germline. Not counted in ClinVar's aggregate classification.
Comment: This variant is classified as likely benign based on ACMG/AMP sequence variant interpretation guidelines (Richards et al. 2015 PMID: 25741868, with internal and published modifications).

Clinical Genetics DNA and cytogenetics Diagnostics Lab, Erasmus MC, Erasmus Medical Center
Classification: Uncertain significance. Review status: no assertion criteria provided. Collection method: clinical testing. Allele origin: germline. Affected: yes. Study: VKGL Data-share Consensus. Not counted in ClinVar's aggregate classification.

Diagnostic Laboratory, Department of Genetics, University Medical Center Groningen
Classification: Uncertain significance. Review status: no assertion criteria provided. Collection method: clinical testing. Allele origin: germline. Affected: yes. Study: VKGL Data-share Consensus. Not counted in ClinVar's aggregate classification.

NM_001375834.1(WIPF1):c.1037C>T (p.Pro346Leu)

Gene: WIPF1 (WAS/WASL interacting protein family member 1; minus strand). Cytogenetic location: 2q31.1.
Variant type: single nucleotide variant.
Coding change: c.1037C>T on transcript NM_001375834.1 (MANE Select); coding-DNA position 1037, C replaced by T.
Protein change: p.Pro346Leu; replaces proline 346 with leucine.
Molecular consequence: missense variant.
Genome position (GRCh38, 1-based): chr2:174,571,768, G>A on the plus strand (C>T on the coding strand, the complement: WIPF1 is on the minus strand). VCF-style: chr2-174571768-G-A. GRCh37 (hg19) VCF-style: chr2-175436496-G-A.
Other names: p.Pro346Leu; c.1037C>T, p.Pro346Leu (NM_001077269.1, NM_001375832.1, NM_001375833.1 and 5 more transcripts); c.659C>T, p.Pro220Leu (NM_001375839.1); short protein forms P346L, P220L.
Identifiers: ClinVar variation 472919 (VCV000472919.20), dbSNP rs149434153, ClinGen allele CA1974010.